The following is an entry in ClinVar:

NM_013432.5(TONSL):c.1866G>A (p.Ala622=)

Genes: TONSL (tonsoku like, DNA repair protein; minus strand), TONSL-AS1 (TONSL antisense RNA 1; plus strand). Cytogenetic location: 8q24.3.
Variant type: single nucleotide variant.
Coding change: c.1866G>A on transcript NM_013432.5 (MANE Select); coding-DNA position 1866, G replaced by A.
Protein change: p.Ala622=; no amino-acid change (alanine 622 retained).
Molecular consequence: synonymous variant. On other transcripts: non-coding transcript variant (1).
Genome position (GRCh38, 1-based): chr8:144,436,781, C>T on the plus strand (G>A on the coding strand, the complement: TONSL is on the minus strand). VCF-style: chr8-144436781-C-T. GRCh37 (hg19) VCF-style: chr8-145662164-C-T.
Identifiers: ClinVar variation 1626326 (VCV001626326.12), dbSNP rs112282581, ClinGen allele CA4943030.

ClinVar aggregate classification (germline): Likely benign. Review status: criteria provided, multiple submitters, no conflicts (2 of 4 stars). 2 submissions from 2 submitters: Likely benign (2). Last evaluated 2026-01-01.

Allele frequency attached by ClinVar (database versions not stated): ExAC 0.00003; gnomAD exomes 0.00005; ESP Exome Variant Server 0.00008; TOPMed 0.00008; gnomAD 0.00009 and 0.00010.
gnomAD v4.1: 85 of 1,611,014 alleles (0.0053%); highest among the groups gnomAD compares: Middle Eastern, 0.2%; no homozygotes.

Submissions (2):

CeGaT Center for Human Genetics Tuebingen
Classification: Likely benign. Last evaluated: 2026-01-01. Review status: criteria provided, single submitter. Criteria: CeGaT Center For Human Genetics Tuebingen Variant Classification Criteria Version 2. Collection method: clinical testing. Allele origin: germline. Affected: yes. Observed: 1 variant allele.
Comment: TONSL: BP4, BP7

Labcorp Genetics (formerly Invitae), Labcorp
Classification: Likely benign. Last evaluated: 2025-08-03. Review status: criteria provided, single submitter. Criteria: Invitae Variant Classification Sherloc (09022015). Collection method: clinical testing. Allele origin: germline.